The following is an entry in ClinVar:

ClinVar aggregate classification (germline): Uncertain significance. Review status: criteria provided, multiple submitters, no conflicts (2 of 4 stars). 2 submissions from 2 submitters: Uncertain significance (2). Last evaluated 2023-03-14.

Conditions:
Inborn genetic diseases. Identifiers: MedGen C0950123, MeSH D030342.

Submissions (2):

Labcorp Genetics (formerly Invitae), Labcorp
Classification: Uncertain significance. Last evaluated: 2023-03-14. Review status: criteria provided, single submitter. Criteria: Invitae Variant Classification Sherloc (09022015). Collection method: clinical testing. Allele origin: germline.
Comment: ClinVar contains an entry for this variant (Variation ID: 985370). In summary, the available evidence is currently insufficient to determine the role of this variant in disease. Therefore, it has been classified as a Variant of Uncertain Significance. Advanced modeling of protein sequence and biophysical properties (such as structural, functional, and spatial information, amino acid conservation, physicochemical variation, residue mobility, and thermodynamic stability) has been performed at Invitae for this missense variant, however the output from this modeling did not meet the statistical confidence thresholds required to predict the impact of this variant on KMT2A protein function. This variant has not been reported in the literature in individuals affected with KMT2A-related conditions. This variant is not present in population databases (gnomAD no frequency). This sequence change replaces phenylalanine, which is neutral and non-polar, with leucine, which is neutral and non-polar, at codon 798 of the KMT2A protein (p.Phe798Leu).

Ambry Genetics
Classification: Uncertain significance for Inborn genetic diseases. Last evaluated: 2018-09-17. Review status: criteria provided, single submitter. Criteria: Ambry exome assertion method (8-5-2015). Collection method: clinical testing. Allele origin: germline. Affected: yes. Observed: 1 variant allele.

NM_001197104.2(KMT2A):c.2394T>G (p.Phe798Leu)

Gene: KMT2A (lysine methyltransferase 2A; plus strand). Cytogenetic location: 11q23.3.
Variant type: single nucleotide variant.
Coding change: c.2394T>G on transcript NM_001197104.2 (MANE Select); coding-DNA position 2394, T replaced by G.
Protein change: p.Phe798Leu; replaces phenylalanine 798 with leucine.
Molecular consequence: missense variant.
Genome position (GRCh38, 1-based): chr11:118,473,553, T>G. VCF-style: chr11-118473553-T-G. GRCh37 (hg19) VCF-style: chr11-118344268-T-G.
Other names: c.2394T>G, p.Phe798Leu (NM_005933.4); short protein forms F798L.
Identifiers: ClinVar variation 985370 (VCV000985370.6), dbSNP rs1949981074, ClinGen allele CA382815034.
Genomic context (GRCh38, chr11:118,473,553, plus strand): 5'-CTCGTTAAGCATTTCTGTTAGTCCTCTTGCCACTAGTGCCTTAAACCCAACTTTTACTTT[T>G]CCTTCTCATTCCCTGACTCAGTCTGGGGAATCTGCAGAGAAAAATCAGAGACCAAGGAAG-3'
Protein context (NP_001184033.1, residues 788-808): ATSALNPTFT[Phe798Leu]PSHSLTQSGE